The following is an entry in ClinVar:

ClinVar aggregate classification (germline): Conflicting classifications of pathogenicity. Review status: criteria provided, conflicting classifications (1 of 4 stars). 3 submissions from 3 submitters: Uncertain significance (2); Likely benign (1). Last evaluated 2025-04-17.

Conditions:
Arrhythmogenic right ventricular cardiomyopathy (ARVD). Also called: Cardiomyopathy, ARVC; Arrhythmogenic right ventricular dysplasia; Arrhythmogenic Right Ventricular Cardiomyopathy (ARVC); Arrhythmogenic cardiomyopathy. Identifiers: Orphanet 247, MedGen C0349788, MeSH D019571, MONDO:0016587. Disease mechanism: loss of function. Inheritance: Various modes of inheritance.
Cardiovascular phenotype. Identifiers: MedGen CN230736.
Arrhythmogenic right ventricular dysplasia 10. Also called: Arrhythmogenic right ventricular dysplasia/cardiomyopathy, type 10; Arrhythmogenic Right Ventricular Dysplasia/Cardiomyopathy10; ARRHYTHMOGENIC RIGHT VENTRICULAR DYSPLASIA, FAMILIAL, 10. Identifiers: MedGen C1857777, MONDO:0012434, OMIM 610193.

Allele frequency attached by ClinVar (database versions not stated): ExAC 0.00001; gnomAD 0.00001; gnomAD exomes 0.00001; ESP Exome Variant Server 0.00008.
gnomAD v4.1: 4 of 1,613,776 alleles (0.00025%); highest among the groups gnomAD compares: African/African-American, 0.0053%; no homozygotes.

Submissions (3):

Labcorp Genetics (formerly Invitae), Labcorp
Classification: Uncertain significance for Arrhythmogenic right ventricular dysplasia 10. Last evaluated: 2025-04-17. Review status: criteria provided, single submitter. Criteria: Invitae Variant Classification Sherloc (09022015). Collection method: clinical testing. Allele origin: germline.
Comment: This sequence change replaces glutamic acid, which is acidic and polar, with glutamine, which is neutral and polar, at codon 542 of the DSG2 protein (p.Glu542Gln). This variant is present in population databases (rs376784940, gnomAD 0.01%). This variant has not been reported in the literature in individuals affected with DSG2-related conditions. ClinVar contains an entry for this variant (Variation ID: 1395697). Invitae Evidence Modeling of protein sequence and biophysical properties (such as structural, functional, and spatial information, amino acid conservation, physicochemical variation, residue mobility, and thermodynamic stability) indicates that this missense variant is not expected to disrupt DSG2 protein function with a negative predictive value of 95%. In summary, the available evidence is currently insufficient to determine the role of this variant in disease. Therefore, it has been classified as a Variant of Uncertain Significance.

All of Us Research Program, National Institutes of Health
Classification: Uncertain significance for Arrhythmogenic right ventricular cardiomyopathy. Last evaluated: 2023-06-26. Review status: criteria provided, single submitter. Criteria: ACMG Guidelines, 2015. Collection method: clinical testing. Allele origin: germline. Inheritance: Autosomal dominant inheritance. Observed: 1 variant allele, 1 heterozygote.
Comment: This missense variant replaces glutamic acid with glutamine at codon 542 of the DSG2 protein. Computational prediction suggests that this variant may not impact protein structure and function (internally defined REVEL score threshold <= 0.5, PMID: 27666373). To our knowledge, functional studies have not been reported for this variant. This variant has not been reported in individuals affected with DSG2-related disorders in the literature. This variant has been identified in 2/248808 chromosomes in the general population by the Genome Aggregation Database (gnomAD). The available evidence is insufficient to determine the role of this variant in disease conclusively. Therefore, this variant is classified as a Variant of Uncertain Significance.

This study involves interpretation of variants in research participants for the purpose of population health screening. Participant phenotype was not available at the time of variant classification. Additional details can be found in publication PMID: 35346344, PMCID: PMC8962531

Ambry Genetics
Classification: Likely benign for Cardiovascular phenotype. Last evaluated: 2021-01-04. Review status: criteria provided, single submitter. Criteria: Ambry Variant Classification Scheme 2023. Collection method: clinical testing. Allele origin: germline.

NM_001943.5(DSG2):c.1624G>C (p.Glu542Gln)

Gene: DSG2 (desmoglein 2; plus strand). Cytogenetic location: 18q12.1.
Variant type: single nucleotide variant.
Coding change: c.1624G>C on transcript NM_001943.5 (MANE Select); coding-DNA position 1624, G replaced by C.
Protein change: p.Glu542Gln; replaces glutamic acid 542 with glutamine.
Molecular consequence: missense variant.
Genome position (GRCh38, 1-based): chr18:31,536,402, G>C. VCF-style: chr18-31536402-G-C. GRCh37 (hg19) VCF-style: chr18-29116365-G-C.
Other names: short protein forms E542Q.
Identifiers: ClinVar variation 1395697 (VCV001395697.10), dbSNP rs376784940, ClinGen allele CA043068.